The following is an entry in ClinVar:

NM_000138.5(FBN1):c.7383del (p.Asn2461fs)

Gene: FBN1 (fibrillin 1; minus strand). Cytogenetic location: 15q21.1.
Variant type: Deletion.
Coding change: c.7383del on transcript NM_000138.5 (MANE Select); coding-DNA position 7383, one base deleted (C; older notation c.7383delC).
Protein change: p.Asn2461fs; shifts the reading frame from asparagine 2461.
Molecular consequence: frameshift variant.
Genome position (GRCh38, 1-based): chr15:48,425,439, G deleted on the plus strand (C on the coding strand, the reverse complement: FBN1 is on the minus strand). VCF-style (leftmost placement, unchanged base first): chr15-48425438-TG-T. GRCh37 (hg19) VCF-style: chr15-48717635-TG-T.
Other names: NM_000138.5(FBN1):c.7383del; p.Asn2461fs; c.7383delC, p.Asn2461Lysfs (NM_000138.4); c.7383del, p.Asn2461fs (NM_001406716.1); short protein forms N2461fs.
Identifiers: ClinVar variation 1325453 (VCV001325453.5), dbSNP rs2141226409, ClinGen allele CA915940951.

ClinVar aggregate classification (germline): Pathogenic. Review status: reviewed by expert panel (3 of 4 stars). 2 submissions from 2 submitters: Pathogenic (1). 1 of the submissions does not count toward it. Last evaluated 2022-12-01.

Conditions:
Marfan syndrome (MFS). Also called: Marfan syndrome type 1; Marfan's syndrome; FBN1-Related Marfan Syndrome; MARFAN SYNDROME, TYPE I; Marfan syndrome, classic. Identifiers: Orphanet 284963, Orphanet 558, MedGen C0024796, MONDO:0007947, OMIM 154700.

Submissions (2):

ClinGen FBN1 Variant Curation Expert Panel, ClinGen
Classification: Pathogenic for Marfan syndrome. Last evaluated: 2022-12-01. Review status: reviewed by expert panel. Criteria: Assertion Criteria VCEP FBN1 Version 1. Collection method: curation. Allele origin: germline. Inheritance: Autosomal dominant inheritance.
Comment: NM_00138 c.7383del is a frameshift variant in FBN1 predicted to cause a substitution of a asparagine by a lysine at amino acid position 2461 and a shift in the reading frame, leading to the introduction of a premature stop codon in exon 63; this would result in an absent or disrupted protein (PVS1). This variant was identified in one proband with Marfan syndrome (PP4; Universitair Ziekenhuis Antwerpen). This variant is not present in gnomAD (PM2_supporting). In summary, this variant meets criteria to be classified as pathogenic for Marfan syndrome based on the ACMG/AMP criteria applied, as specified by the ClinGen FBN1 VCEP: PVS1, PP4, PM2_supporting.

Centre of Medical Genetics, University of Antwerp
Classification: Pathogenic for Marfan syndrome. Last evaluated: 2021-03-01. Review status: criteria provided, single submitter. Criteria: Submitter's publication. Collection method: research. Allele origin: unknown. Affected: yes. Not counted in ClinVar's aggregate classification.
Comment: PM2, PVS1, PP4